The following is an entry in ClinVar:

ClinVar aggregate classification (germline): Uncertain significance. Review status: criteria provided, multiple submitters, no conflicts (2 of 4 stars). 3 submissions from 3 submitters: Uncertain significance (3). Last evaluated 2022-07-05.

Conditions:
Early-infantile DEE. Also called: Early infantile epileptic encephalopathy; Ohtahara syndrome; Early infantile epileptic encephalopathy with suppression bursts. Identifiers: Orphanet 1934, MedGen C0393706, MONDO:0800491.
Inborn genetic diseases. Identifiers: MedGen C0950123, MeSH D030342.

Allele frequency attached by ClinVar (database versions not stated): TOPMed 0.00001.

Submissions (3):

Labcorp Genetics (formerly Invitae), Labcorp
Classification: Uncertain significance for Early-infantile DEE. Last evaluated: 2022-07-05. Review status: criteria provided, single submitter. Criteria: Invitae Variant Classification Sherloc (09022015). Collection method: clinical testing. Allele origin: germline.
Comment: This sequence change replaces isoleucine, which is neutral and non-polar, with valine, which is neutral and non-polar, at codon 151 of the HCN1 protein (p.Ile151Val). This variant is not present in population databases (gnomAD no frequency). This variant has not been reported in the literature in individuals affected with HCN1-related conditions. ClinVar contains an entry for this variant (Variation ID: 590015). Algorithms developed to predict the effect of missense changes on protein structure and function are either unavailable or do not agree on the potential impact of this missense change (SIFT: "Deleterious"; PolyPhen-2: "Benign"; Align-GVGD: "Class C0"). In summary, the available evidence is currently insufficient to determine the role of this variant in disease. Therefore, it has been classified as a Variant of Uncertain Significance.

GeneDx
Classification: Uncertain significance. Last evaluated: 2022-06-28. Review status: criteria provided, single submitter. Criteria: GeneDx Variant Classification Process June 2021. Collection method: clinical testing. Allele origin: germline. Affected: yes.
Comment: Not observed at significant frequency in large population cohorts (gnomAD); In silico analysis supports that this missense variant does not alter protein structure/function; Has not been previously published as pathogenic or benign to our knowledge

Ambry Genetics
Classification: Uncertain significance for Inborn genetic diseases. Last evaluated: 2017-09-22. Review status: criteria provided, single submitter. Criteria: Ambry Variant Classification Scheme 2023. Collection method: clinical testing. Allele origin: germline.
Comment: The p.I151V variant (also known as c.451A>G), located in coding exon 2 of the HCN1 gene, results from an A to G substitution at nucleotide position 451. The isoleucine at codon 151 is replaced by valine, an amino acid with highly similar properties. This amino acid position is well conserved in available vertebrate species. In addition, the in silico prediction for this alteration is inconclusive. Since supporting evidence is limited at this time, the clinical significance of this alteration remains unclear.

NM_021072.4(HCN1):c.451A>G (p.Ile151Val)

Gene: HCN1 (hyperpolarization activated cyclic nucleotide gated potassium channel 1; minus strand). Cytogenetic location: 5p12.
Variant type: single nucleotide variant.
Coding change: c.451A>G on transcript NM_021072.4 (MANE Select); coding-DNA position 451, A replaced by G.
Protein change: p.Ile151Val; replaces isoleucine 151 with valine.
Molecular consequence: missense variant.
Genome position (GRCh38, 1-based): chr5:45,645,583, T>C on the plus strand (A>G on the coding strand, the complement: HCN1 is on the minus strand). VCF-style: chr5-45645583-T-C. GRCh37 (hg19) VCF-style: chr5-45645685-T-C.
Other names: short protein forms I151V.
Identifiers: ClinVar variation 590015 (VCV000590015.14), dbSNP rs890733454, ClinGen allele CA118324615.